The following is an entry in ClinVar:

ClinVar aggregate classification (germline): Uncertain significance. Review status: criteria provided, multiple submitters, no conflicts (2 of 4 stars). 2 submissions from 2 submitters: Uncertain significance (2). Last evaluated 2024-09-21.

Conditions:
Fanconi anemia (FA). Also called: Fanconi's anemia. Identifiers: Orphanet 84, MedGen C0015625, MeSH D005199, MONDO:0019391.

Allele frequency attached by ClinVar (database versions not stated): gnomAD exomes 0.00003 and 0.00001; TOPMed 0.00003; 1000 Genomes Project 0.00060; 1000 Genomes Project 30x 0.00062; gnomAD 0.00001 and 0.00003.
gnomAD v4.1: 11 of 1,613,848 alleles (0.00068%); highest among the groups gnomAD compares: African/African-American, 0.011%; no homozygotes.

Submissions (2):

Labcorp Genetics (formerly Invitae), Labcorp
Classification: Uncertain significance for Fanconi anemia. Last evaluated: 2024-09-21. Review status: criteria provided, single submitter. Criteria: Invitae Variant Classification Sherloc (09022015). Collection method: clinical testing. Allele origin: germline.
Comment: This sequence change replaces serine, which is neutral and polar, with threonine, which is neutral and polar, at codon 185 of the FANCL protein (p.Ser185Thr). This variant is present in population databases (rs560205327, gnomAD 0.03%). This variant has not been reported in the literature in individuals affected with FANCL-related conditions. ClinVar contains an entry for this variant (Variation ID: 1326455). Invitae Evidence Modeling of protein sequence and biophysical properties (such as structural, functional, and spatial information, amino acid conservation, physicochemical variation, residue mobility, and thermodynamic stability) indicates that this missense variant is not expected to disrupt FANCL protein function with a negative predictive value of 80%. In summary, the available evidence is currently insufficient to determine the role of this variant in disease. Therefore, it has been classified as a Variant of Uncertain Significance.

GeneDx
Classification: Uncertain significance. Last evaluated: 2021-04-23. Review status: criteria provided, single submitter. Criteria: GeneDx Variant Classification Process June 2021. Collection method: clinical testing. Allele origin: germline. Affected: yes.
Comment: Has not been previously published as pathogenic or benign to our knowledge; In silico analysis supports that this missense variant does not alter protein structure/function

NM_018062.4(FANCL):c.554G>C (p.Ser185Thr)

Gene: FANCL (FA complementation group L; minus strand). Cytogenetic location: 2p16.1.
Variant type: single nucleotide variant.
Coding change: c.554G>C on transcript NM_018062.4 (MANE Select); coding-DNA position 554, G replaced by C.
Protein change: p.Ser185Thr; replaces serine 185 with threonine.
Molecular consequence: missense variant.
Genome position (GRCh38, 1-based): chr2:58,165,861, C>G on the plus strand (G>C on the coding strand, the complement: FANCL is on the minus strand). VCF-style: chr2-58165861-C-G. GRCh37 (hg19) VCF-style: chr2-58392996-C-G.
Other names: c.569G>C, p.Ser190Thr (NM_001114636.2); c.599G>C, p.Ser200Thr (NM_001374615.1); c.614G>C, p.Ser205Thr (NM_001410792.1); short protein forms S185T, S190T, S200T, S205T.
Identifiers: ClinVar variation 1326455 (VCV001326455.6), dbSNP rs560205327, ClinGen allele CA1670550.
Genomic context (GRCh38, chr2:58,165,861, plus strand): 5'-TCCATAACATCCCAGAATGCCTTTAGTGATTCTATTGCTGCCAAAAACTGACTATAAATG[C>G]TTATTAAGGAGCTCTGTGAAAAAAATGAAAGTTGAATAAGTTATATGGTACTCTACCAAT-3'
Protein context (NP_060532.2, residues 175-195): ASWTPQSSLI[Ser185Thr]IYSQFLAAIE